The following is an entry in ClinVar:

NM_032043.3(BRIP1):c.3564G>A (p.Glu1188=)

Gene: BRIP1 (BRCA1 interacting DNA helicase 1; minus strand). Cytogenetic location: 17q23.2.
Variant type: single nucleotide variant.
Coding change: c.3564G>A on transcript NM_032043.3 (MANE Select); coding-DNA position 3564, G replaced by A.
Protein change: p.Glu1188=; no amino-acid change (glutamic acid 1188 retained).
Molecular consequence: synonymous variant.
Genome position (GRCh38, 1-based): chr17:61,683,482, C>T on the plus strand (G>A on the coding strand, the complement: BRIP1 is on the minus strand). VCF-style: chr17-61683482-C-T. GRCh37 (hg19) VCF-style: chr17-59760843-C-T.
Identifiers: ClinVar variation 1732732 (VCV001732732.21), dbSNP rs2061301837, ClinGen allele CA501335237.

ClinVar aggregate classification (germline): Benign/Likely benign. Review status: criteria provided, multiple submitters, no conflicts (2 of 4 stars). 4 submissions from 4 submitters: Benign (1); Likely benign (3). Last evaluated 2025-01-01.

Conditions:
Hereditary cancer-predisposing syndrome. Also called: Hereditary neoplastic syndrome; Tumor predisposition; Neoplastic Syndromes, Hereditary; Hereditary Cancer Syndrome. Identifiers: Orphanet 140162, MedGen C0027672, MeSH D009386, MONDO:0015356.
Familial cancer of breast. Also called: Hereditary breast cancer; hereditary breast carcinoma; BREAST CANCER, FAMILIAL. Identifiers: Orphanet 227535, MedGen C0346153, MONDO:0016419, OMIM 114480. Disease mechanism: loss of function.
Fanconi anemia complementation group J. Also called: BRIP1-Related Fanconi Anemia. Identifiers: Orphanet 84, MedGen C1836860, MONDO:0012187, OMIM 609054.

Allele frequency attached by ClinVar (database versions not stated): TOPMed below 0.00001.

Submissions (4):

CeGaT Center for Human Genetics Tuebingen
Classification: Likely benign. Last evaluated: 2025-01-01. Review status: criteria provided, single submitter. Criteria: CeGaT Center For Human Genetics Tuebingen Variant Classification Criteria Version 2. Collection method: clinical testing. Allele origin: germline. Affected: yes. Observed: 1 variant allele.
Comment: BRIP1: PM2:Supporting, BP4, BP7

Myriad Genetics, Inc.
Classification: Benign for Familial cancer of breast. Last evaluated: 2024-09-10. Review status: criteria provided, single submitter. Criteria: Myriad Autosomal Dominant, Autosomal Recessive and X-Linked Classification Criteria (2023). Collection method: clinical testing. Allele origin: unknown.
Comment: This variant is considered benign. This variant is a silent/synonymous amino acid change and it is not expected to impact splicing.

Labcorp Genetics (formerly Invitae), Labcorp
Classification: Likely benign for Familial cancer of breast; Fanconi anemia complementation group J. Last evaluated: 2023-01-30. Review status: criteria provided, single submitter. Criteria: Invitae Variant Classification Sherloc (09022015). Collection method: clinical testing. Allele origin: germline.

Ambry Genetics
Classification: Likely benign for Hereditary cancer-predisposing syndrome. Last evaluated: 2020-07-23. Review status: criteria provided, single submitter. Criteria: Ambry Variant Classification Scheme 2023. Collection method: clinical testing. Allele origin: germline.